The following is an entry in ClinVar:

NC_000014.8:g.(?_95552565)_(95599840_?)dup

Gene: DICER1 (dicer 1, ribonuclease III; minus strand). Cytogenetic location: 14q32.13.
Variant type: Duplication.
Identifiers: ClinVar variation 417573 (VCV000417573.2).

ClinVar aggregate classification (germline): Uncertain significance (1 of 4 stars; one submission).

Conditions:
DICER1-related tumor predisposition. Also called: DICER1-related pleuropulmonary blastoma cancer predisposition syndrome; DICER1 syndrome. Identifiers: Orphanet 284343, MedGen C3839822, MONDO:0100216.

Submission:

Labcorp Genetics (formerly Invitae), Labcorp
Classification: Uncertain significance for DICER1-related tumor predisposition. Last evaluated: 2016-11-10. Review status: criteria provided, single submitter. Criteria: Invitae Variant Classification Sherloc (09022015). Collection method: clinical testing. Allele origin: germline.
Comment: A gross duplication of the genomic region encompassing the full coding sequence of the DICER1 gene has been identified. The boundaries of this event are unknown as the duplication extends beyond the assayed region for this gene and therefore may encompass additional genes. As the precise location of this duplication is unknown, it may be in tandem or it may be located elsewhere in the genome. This variant has not been reported in the literature in individuals with a DICER1-related disease. Experimental studies and prediction algorithms are not available for this variant, and the functional significance of this duplication is currently unknown. In summary, this variant is a novel whole gene duplication. It has been classified as a Variant of Uncertain Significance.